The following is an entry in ClinVar:

ClinVar aggregate classification (germline): Uncertain significance (1 of 4 stars; one submission).

Submission:

GeneDx
Classification: Uncertain significance. Last evaluated: 2022-03-28. Review status: criteria provided, single submitter. Criteria: GeneDx Variant Classification Process June 2021. Collection method: clinical testing. Allele origin: germline. Affected: yes.
Comment: Not observed at significant frequency in large population cohorts (gnomAD); In silico analysis supports that this missense variant has a deleterious effect on protein structure/function; Has not been previously published as pathogenic or benign to our knowledge

NM_170606.3(KMT2C):c.13534C>G (p.His4512Asp)

Gene: KMT2C (lysine methyltransferase 2C; minus strand). Cytogenetic location: 7q36.1.
Variant type: single nucleotide variant.
Coding change: c.13534C>G on transcript NM_170606.3 (MANE Select); coding-DNA position 13534, C replaced by G.
Protein change: p.His4512Asp; replaces histidine 4512 with aspartic acid.
Molecular consequence: missense variant.
Genome position (GRCh38, 1-based): chr7:152,148,393, G>C on the plus strand (C>G on the coding strand, the complement: KMT2C is on the minus strand). VCF-style: chr7-152148393-G-C. GRCh37 (hg19) VCF-style: chr7-151845478-G-C.
Other names: short protein forms H4512D.
Identifiers: ClinVar variation 1707722 (VCV001707722.2), dbSNP rs375361560, ClinGen allele CA370090708.
Genomic context (GRCh38, chr7:152,148,393, plus strand): 5'-CCTCATCACGCTGAACATAGACCCTCCTGAAGACTGCAAAGTAACTTAATTCTTGCTCAT[G>C]AATTCCCTTTGGTTTGTGCATGGGGCAAAGCATAGTTTTGTCCTTAAAAAACATGCATTG-3'
Protein context (NP_733751.2, residues 4502-4522): LCPMHKPKGI[His4512Asp]EQELSYFAVF